The following is an entry in ClinVar:

NM_007347.5(AP4E1):c.1660T>G (p.Leu554Val)

Gene: AP4E1 (adaptor related protein complex 4 subunit epsilon 1; plus strand). Cytogenetic location: 15q21.2.
Variant type: single nucleotide variant.
Coding change: c.1660T>G on transcript NM_007347.5 (MANE Select); coding-DNA position 1660, T replaced by G.
Protein change: p.Leu554Val; replaces leucine 554 with valine.
Molecular consequence: missense variant.
Genome position (GRCh38, 1-based): chr15:50,958,603, T>G. VCF-style: chr15-50958603-T-G. GRCh37 (hg19) VCF-style: chr15-51250800-T-G.
Other names: c.1660T>G (NM_007347.3); c.1435T>G, p.Leu479Val (NM_001252127.2); short protein forms L554V, L479V.
Identifiers: ClinVar variation 1496146 (VCV001496146.9), dbSNP rs761229505, ClinGen allele CA7559133.

ClinVar aggregate classification (germline): Uncertain significance. Review status: criteria provided, multiple submitters, no conflicts (2 of 4 stars). 2 submissions from 2 submitters: Uncertain significance (2). Last evaluated 2024-04-22.

Conditions:
Inborn genetic diseases. Identifiers: MedGen C0950123, MeSH D030342.
Spastic paraplegia. Identifiers: MedGen C0037772, HP:0001258.

Allele frequency attached by ClinVar (database versions not stated): ExAC 0.00001; gnomAD 0.00001; gnomAD exomes 0.00001 and 0.00002; TOPMed 0.00001.

Submissions (2):

Ambry Genetics
Classification: Uncertain significance for Inborn genetic diseases. Last evaluated: 2024-04-22. Review status: criteria provided, single submitter. Criteria: Ambry Variant Classification Scheme 2023. Collection method: clinical testing. Allele origin: germline.

Labcorp Genetics (formerly Invitae), Labcorp
Classification: Uncertain significance for Spastic paraplegia. Last evaluated: 2022-09-12. Review status: criteria provided, single submitter. Criteria: Invitae Variant Classification Sherloc (09022015). Collection method: clinical testing. Allele origin: germline.
Comment: ClinVar contains an entry for this variant (Variation ID: 1496146). This variant has not been reported in the literature in individuals affected with AP4E1-related conditions. This variant is present in population databases (rs761229505, gnomAD 0.002%). This sequence change replaces leucine, which is neutral and non-polar, with valine, which is neutral and non-polar, at codon 554 of the AP4E1 protein (p.Leu554Val). Algorithms developed to predict the effect of missense changes on protein structure and function (SIFT, PolyPhen-2, Align-GVGD) all suggest that this variant is likely to be tolerated. In summary, the available evidence is currently insufficient to determine the role of this variant in disease. Therefore, it has been classified as a Variant of Uncertain Significance. Algorithms developed to predict the effect of sequence changes on RNA splicing suggest that this variant may create or strengthen a splice site.